The following is an entry in ClinVar:

ClinVar aggregate classification (germline): Pathogenic (1 of 4 stars; one submission).

Submission:

Labcorp Genetics (formerly Invitae), Labcorp
Classification: Pathogenic. Last evaluated: 2025-03-16. Review status: criteria provided, single submitter. Criteria: Invitae Variant Classification Sherloc (09022015). Collection method: clinical testing. Allele origin: germline.
Comment: This sequence change replaces lysine, which is basic and polar, with threonine, which is neutral and polar, at codon 468 of the PHEX protein (p.Lys468Thr). This variant is not present in population databases (gnomAD no frequency). This missense change has been observed in individual(s) with hypophosphatemia (internal data). In at least one individual the variant was observed to be de novo. ClinVar contains an entry for this variant (Variation ID: 945152). An algorithm developed to predict the effect of missense changes on protein structure and function (PolyPhen-2) suggests that this variant is likely to be disruptive. For these reasons, this variant has been classified as Pathogenic.

NM_000444.6(PHEX):c.1403A>C (p.Lys468Thr)

Gene: PHEX (phosphate regulating endopeptidase X-linked; plus strand). Cytogenetic location: Xp22.11.
Variant type: single nucleotide variant.
Coding change: c.1403A>C on transcript NM_000444.6 (MANE Select); coding-DNA position 1403, A replaced by C.
Protein change: p.Lys468Thr; replaces lysine 468 with threonine.
Molecular consequence: missense variant.
Genome position (GRCh38, 1-based): chrX:22,133,623, A>C. VCF-style: chrX-22133623-A-C. GRCh37 (hg19) VCF-style: chrX-22151740-A-C.
Other names: c.1403A>C, p.Lys468Thr (NM_001282754.2); short protein forms K468T.
Identifiers: ClinVar variation 945152 (VCV000945152.7), dbSNP rs1932110651, ClinGen allele CA412574798.